The following is an entry in ClinVar:

ClinVar aggregate classification (germline): Uncertain significance. Review status: criteria provided, multiple submitters, no conflicts (2 of 4 stars). 2 submissions from 2 submitters: Uncertain significance (2). Last evaluated 2024-02-24.

Conditions:
Inborn genetic diseases. Identifiers: MedGen C0950123, MeSH D030342.

Allele frequency attached by ClinVar (database versions not stated): TOPMed 0.00001; gnomAD 0.00003; 1000 Genomes Project 30x 0.00031.

Submissions (2):

Labcorp Genetics (formerly Invitae), Labcorp
Classification: Uncertain significance. Last evaluated: 2024-02-24. Review status: criteria provided, single submitter. Criteria: Invitae Variant Classification Sherloc (09022015). Collection method: clinical testing. Allele origin: germline.
Comment: This sequence change replaces arginine, which is basic and polar, with lysine, which is basic and polar, at codon 1312 of the GPR179 protein (p.Arg1312Lys). This variant is present in population databases (no rsID available, gnomAD 0.02%). This variant has not been reported in the literature in individuals affected with GPR179-related conditions. ClinVar contains an entry for this variant (Variation ID: 1950207). Algorithms developed to predict the effect of missense changes on protein structure and function output the following: SIFT: "Not Available"; PolyPhen-2: "Benign"; Align-GVGD: "Not Available". The lysine amino acid residue is found in multiple mammalian species, which suggests that this missense change does not adversely affect protein function. In summary, the available evidence is currently insufficient to determine the role of this variant in disease. Therefore, it has been classified as a Variant of Uncertain Significance.

Ambry Genetics
Classification: Uncertain significance for Inborn genetic diseases. Last evaluated: 2024-01-16. Review status: criteria provided, single submitter. Criteria: Ambry Variant Classification Scheme 2023. Collection method: clinical testing. Allele origin: germline.

NM_001004334.4(GPR179):c.3935G>A (p.Arg1312Lys)

Gene: GPR179 (G protein-coupled receptor 179; minus strand). Cytogenetic location: 17q12.
Variant type: single nucleotide variant.
Coding change: c.3935G>A on transcript NM_001004334.4 (MANE Select); coding-DNA position 3935, G replaced by A.
Protein change: p.Arg1312Lys; replaces arginine 1312 with lysine.
Molecular consequence: missense variant.
Genome position (GRCh38, 1-based): chr17:38,329,634, C>T on the plus strand (G>A on the coding strand, the complement: GPR179 is on the minus strand). VCF-style: chr17-38329634-C-T. GRCh37 (hg19) VCF-style: chr17-36485517-C-T.
Other names: c.3935G>A (NM_001004334.2); short protein forms R1312K.
Identifiers: ClinVar variation 1950207 (VCV001950207.6), dbSNP rs1351511336, ClinGen allele CA398878107.